The following is an entry in ClinVar:

ClinVar aggregate classification (germline): Likely pathogenic (1 of 4 stars; one submission).

Conditions:
Dilated cardiomyopathy 1G (CMD1G). Identifiers: Orphanet 154, MedGen C1858763, MONDO:0011400, OMIM 604145.
Autosomal recessive limb-girdle muscular dystrophy type 2J (LGMDR10). Also called: Limb-girdle muscular dystrophy, type 2J; MUSCULAR DYSTROPHY, LIMB-GIRDLE, AUTOSOMAL RECESSIVE 10. Identifiers: Orphanet 140922, MedGen C1837342, MONDO:0012127, OMIM 608807.

Submission:

Labcorp Genetics (formerly Invitae), Labcorp
Classification: Likely pathogenic for Dilated cardiomyopathy 1G; Autosomal recessive limb-girdle muscular dystrophy type 2J. Last evaluated: 2024-01-02. Review status: criteria provided, single submitter. Criteria: Invitae Variant Classification Sherloc (09022015). Collection method: clinical testing. Allele origin: germline.
Comment: This sequence change creates a premature translational stop signal (p.Val2445Cysfs*11) in the TTN gene. While this is not anticipated to result in nonsense mediated decay, it is expected to create a truncated TTN protein. This variant is not present in population databases (gnomAD no frequency). This variant has not been reported in the literature in individuals affected with TTN-related conditions. This variant is located in the I band of TTN (PMID: 25589632). Truncating variants in this region have been reported in individuals affected with autosomal recessive centronuclear myopathy (PMID: 23975875). Truncating variants in this region have also been identified in individuals affected with autosomal dominant dilated cardiomyopathy and/or cardio-related conditions (PMID: 27869827, 32964742). In summary, the currently available evidence indicates that the variant is pathogenic, but additional data are needed to prove that conclusively. Therefore, this variant has been classified as Likely Pathogenic.

Literature cited by the submitters: PubMed 25589632; PubMed 23975875; PubMed 27869827; PubMed 32964742.

NM_001267550.2(TTN):c.7332dup (p.Val2445fs)

Genes: TTN (titin; minus strand), LOC126806433 (BRD4-independent group 4 enhancer GRCh37_chr2:179638309-179639508; plus strand). Cytogenetic location: 2q31.2.
Variant type: Duplication.
Coding change: c.7332dup on transcript NM_001267550.2 (MANE Select); coding-DNA position 7332, one base duplicated (T; older notation c.7332dupT).
Protein change: p.Val2445fs; shifts the reading frame from valine 2445.
Molecular consequence: frameshift variant.
Genome position (GRCh38, 1-based): chr2:178,773,724, A duplicated on the plus strand (T on the coding strand, the reverse complement: TTN is on the minus strand). VCF-style (leftmost placement, unchanged base first): chr2-178773723-C-CA. GRCh37 (hg19) VCF-style: chr2-179638450-C-CA.
Other names: c.7332dup, p.Val2445fs (NM_001256850.1, NM_133378.4, NM_133379.5); c.7194dup, p.Val2399fs (NM_003319.4, NM_133432.3, NM_133437.4); short protein forms V2445fs, V2399fs.
Identifiers: ClinVar variation 2921676 (VCV002921676.3), dbSNP rs2532683290, ClinGen allele CA2740095937.